The following is an entry in ClinVar:

NM_014822.4(SEC24D):c.2462G>A (p.Arg821Gln)

Gene: SEC24D (SEC24 homolog D, COPII coat complex component; minus strand). Cytogenetic location: 4q26.
Variant type: single nucleotide variant.
Coding change: c.2462G>A on transcript NM_014822.4 (MANE Select); coding-DNA position 2462, G replaced by A.
Protein change: p.Arg821Gln; replaces arginine 821 with glutamine.
Molecular consequence: missense variant.
Genome position (GRCh38, 1-based): chr4:118,738,295, C>T on the plus strand (G>A on the coding strand, the complement: SEC24D is on the minus strand). VCF-style: chr4-118738295-C-T. GRCh37 (hg19) VCF-style: chr4-119659450-C-T.
Other names: c.2465G>A, p.Arg822Gln (NM_001318066.2); short protein forms R821Q, R822Q.
Identifiers: ClinVar variation 1520938 (VCV001520938.3), dbSNP rs922274399, ClinGen allele CA104646729.
Genomic context (GRCh38, chr4:118,738,295, plus strand): 5'-ACATCTATGTGCAATAGGTAGCTCACCTGGCTTGCTGCAGAAGGACTTGCACAATTCTTC[C>T]GGTAACATGCCAACATATGGGCAGTCTGATTAACTAGAATTTCCCGGATGACCTTCAAAG-3'
Protein context (NP_055637.2, residues 811-831): NQTAHMLACY[Arg821Gln]KNCASPSAAS

ClinVar aggregate classification (germline): Uncertain significance (1 of 4 stars; one submission).

Allele frequency attached by ClinVar (database versions not stated): gnomAD exomes below 0.00001 and 0.00003; gnomAD 0.00003 and 0.00004; TOPMed 0.00003.
gnomAD v4.1: 55 of 1,613,322 alleles (0.0034%); highest among the groups gnomAD compares: Non-Finnish European, 0.0044%; no homozygotes.

Submission:

Labcorp Genetics (formerly Invitae), Labcorp
Classification: Uncertain significance. Last evaluated: 2022-01-25. Review status: criteria provided, single submitter. Criteria: Invitae Variant Classification Sherloc (09022015). Collection method: clinical testing. Allele origin: germline.
Comment: This sequence change replaces arginine, which is basic and polar, with glutamine, which is neutral and polar, at codon 821 of the SEC24D protein (p.Arg821Gln). This variant is present in population databases (no rsID available, gnomAD 0.0009%). This variant has not been reported in the literature in individuals affected with SEC24D-related conditions. Algorithms developed to predict the effect of missense changes on protein structure and function are either unavailable or do not agree on the potential impact of this missense change (SIFT: "Not Available"; PolyPhen-2: "Probably Damaging"; Align-GVGD: "Not Available"). In summary, the available evidence is currently insufficient to determine the role of this variant in disease. Therefore, it has been classified as a Variant of Uncertain Significance.